The following is an entry in ClinVar:

NM_007294.4(BRCA1):c.2094A>G (p.Pro698=)

Gene: BRCA1 (BRCA1 DNA repair associated; minus strand). Cytogenetic location: 17q21.31.
Variant type: single nucleotide variant.
Coding change: c.2094A>G on transcript NM_007294.4 (MANE Select); coding-DNA position 2094, A replaced by G.
Protein change: p.Pro698=; no amino-acid change (proline 698 retained).
Molecular consequence: synonymous variant. On other transcripts: intron variant (137).
Genome position (GRCh38, 1-based): chr17:43,093,437, T>C on the plus strand (A>G on the coding strand, the complement: BRCA1 is on the minus strand). VCF-style: chr17-43093437-T-C. GRCh37 (hg19) VCF-style: chr17-41245454-T-C.
Other names: c.2094A>G, p.Pro698= (NM_001407603.1, NM_001407605.1, NM_001407616.1 and 30 more transcripts); c.2091A>G, p.Pro697= (NM_001407610.1, NM_001407615.1, NM_001407611.1 and 22 more transcripts); c.1881A>G, p.Pro627= (NM_001407571.1, NM_001407853.1, NM_001407894.1 and 9 more transcripts); c.2085A>G, p.Pro695= (NM_001407646.1, NM_001407647.1); c.1971A>G, p.Pro657= (NM_001407648.1, NM_001407664.1, NM_001407665.1 and 19 more transcripts); c.1968A>G, p.Pro656= (NM_001407649.1, NM_001407670.1, NM_001407671.1 and 11 more transcripts); c.2016A>G, p.Pro672= (NM_001407653.1, NM_001407654.1, NM_001407655.1 and 4 more transcripts); c.2013A>G, p.Pro671= (NM_001407659.1, NM_001407660.1, NM_001407661.1 and 1 more transcripts); and 41 more.
Identifiers: ClinVar variation 2774854 (VCV002774854.5), dbSNP rs1131692098, ClinGen allele CA500232938.
Genomic context (GRCh38, chr17:43,093,437, plus strand): 5'-AAGTTCACTGGTATTTGAACACTTAGTAAAAGAACCAGGTGCATTTGTTAACTTCAGCTC[T>C]GGGAAAGTATCGCTGTCATGTCTTTTACTTGTCTGTTCATTTGGCTTGTTACTCTTCTTG-3'
Protein context (NP_009225.1, residues 688-708): TSKRHDSDTF[Pro698=]ELKLTNAPGS

ClinVar aggregate classification (germline): Conflicting classifications of pathogenicity. Review status: criteria provided, conflicting classifications (1 of 4 stars). 3 submissions from 3 submitters: Uncertain significance (1); Likely benign (2). Last evaluated 2025-07-06.

Conditions:
Hereditary cancer-predisposing syndrome. Also called: Neoplastic Syndromes, Hereditary; Tumor predisposition; Hereditary Cancer Syndrome; Hereditary neoplastic syndrome. Identifiers: Orphanet 140162, MedGen C0027672, MeSH D009386, MONDO:0015356.
Hereditary breast ovarian cancer syndrome. Also called: Hereditary breast and ovarian cancer syndrome (HBOC); Hereditary breast and/or ovarian cancer syndrome; Hereditary breast and ovarian cancer; Hereditary breast and ovarian cancer syndrome; BRCA1- and BRCA2-Associated Hereditary Breast and Ovarian Cancer; Breast and ovarian cancer. Identifiers: Orphanet 145, MedGen C0677776, MeSH D061325, MONDO:0003582. Disease mechanism: loss of function.

Submissions (3):

Labcorp Genetics (formerly Invitae), Labcorp
Classification: Likely benign for Hereditary breast ovarian cancer syndrome. Last evaluated: 2025-07-06. Review status: criteria provided, single submitter. Criteria: Invitae Variant Classification Sherloc (09022015). Collection method: clinical testing. Allele origin: germline.

GeneDx
Classification: Uncertain significance. Last evaluated: 2024-05-28. Review status: criteria provided, single submitter. Criteria: GeneDx Variant Classification Process June 2021. Collection method: clinical testing. Allele origin: germline. Affected: yes.
Comment: Not observed at significant frequency in large population cohorts (gnomAD); In silico analysis indicates that this variant does not alter splicing; Has not been previously published as pathogenic or benign to our knowledge; Also known as 2213A>G

Color Diagnostics, LLC DBA Color Health
Classification: Likely benign for Hereditary cancer-predisposing syndrome. Last evaluated: 2023-12-05. Review status: criteria provided, single submitter. Criteria: ACMG Guidelines, 2015. Collection method: clinical testing. Allele origin: germline.